The following is an entry in ClinVar:

ClinVar aggregate classification (germline): Conflicting classifications of pathogenicity. Review status: criteria provided, conflicting classifications (1 of 4 stars). 2 submissions from 2 submitters: Uncertain significance (1); Likely benign (1). Last evaluated 2025-02-04.

Conditions:
Hereditary cancer-predisposing syndrome. Also called: Tumor predisposition; Neoplastic Syndromes, Hereditary; Hereditary neoplastic syndrome; Hereditary Cancer Syndrome. Identifiers: Orphanet 140162, MedGen C0027672, MeSH D009386, MONDO:0015356.
Ataxia-telangiectasia syndrome (AT). Also called: Ataxia-telangiectasia, complementation group D; AT, COMPLEMENTATION GROUP C; ATAXIA-TELANGIECTASIA, COMPLEMENTATION GROUP A; ATAXIA-TELANGIECTASIA, FRESNO VARIANT; Ataxia-telangiectasia; Ataxia telangiectasia (A-T). Identifiers: Orphanet 100, MedGen C0004135, MONDO:0008840, OMIM 208900.

Submissions (2):

Ambry Genetics
Classification: Likely benign for Hereditary cancer-predisposing syndrome. Last evaluated: 2025-02-04. Review status: criteria provided, single submitter. Criteria: Ambry Variant Classification Scheme 2023. Collection method: clinical testing. Allele origin: germline.

Labcorp Genetics (formerly Invitae), Labcorp
Classification: Uncertain significance for Ataxia-telangiectasia syndrome. Last evaluated: 2020-07-08. Review status: criteria provided, single submitter. Criteria: Invitae Variant Classification Sherloc (09022015). Collection method: clinical testing. Allele origin: germline.
Comment: This variant is not present in population databases (ExAC no frequency). In summary, the available evidence is currently insufficient to determine the role of this variant in disease. Therefore, it has been classified as a Variant of Uncertain Significance. Algorithms developed to predict the effect of missense changes on protein structure and function (SIFT, PolyPhen-2, Align-GVGD) all suggest that this variant is likely to be tolerated, but these predictions have not been confirmed by published functional studies and their clinical significance is uncertain. This variant has not been reported in the literature in individuals with ATM-related conditions. This sequence change replaces serine with glycine at codon 2310 of the ATM protein (p.Ser2310Gly). The serine residue is weakly conserved and there is a small physicochemical difference between serine and glycine.

NM_000051.4(ATM):c.6928A>G (p.Ser2310Gly)

Genes: ATM (ATM serine/threonine kinase; plus strand), C11orf65 (chromosome 11 open reading frame 65; minus strand). Cytogenetic location: 11q22.3.
Variant type: single nucleotide variant.
Coding change: c.6928A>G on transcript NM_000051.4 (MANE Select); coding-DNA position 6928, A replaced by G.
Protein change: p.Ser2310Gly; replaces serine 2310 with glycine.
Molecular consequence: missense variant. On other transcripts: intron variant (2).
Genome position (GRCh38, 1-based): chr11:108,326,178, A>G. VCF-style: chr11-108326178-A-G. GRCh37 (hg19) VCF-style: chr11-108196905-A-G.
Other names: c.6928A>G, p.Ser2310Gly (NM_001351834.2); c.641-17107T>C (NM_001330368.2); c.*38+9042T>C (NM_001351110.2); short protein forms S2310G.
Identifiers: ClinVar variation 1000867 (VCV001000867.12), dbSNP rs572301723, ClinGen allele CA382557156.
Genomic context (GRCh38, chr11:108,326,178, plus strand): 5'-GAGTGGCAGCTGGAAGAAGCACAAGTATTCTGGGCAAAAAAGGAGCAGAGTCTTGCCCTG[A>G]GTATTCTCAAGCAAATGATCAAGAAGTTGGATGCCAGCTGTGCAGCGGTTTGTTTTTTTT-3'
Protein context (NP_000042.3, residues 2300-2320): WAKKEQSLAL[Ser2310Gly]ILKQMIKKLD